The following is an entry in ClinVar:

ClinVar aggregate classification (germline): Uncertain significance. Review status: criteria provided, single submitter (1 of 4 stars). 2 submissions from 2 submitters: Uncertain significance (1). 1 of the submissions does not count toward it. Last evaluated 2024-04-15.

Conditions:
Hereditary pheochromocytoma and paraganglioma. Also called: Hereditary Paraganglioma-Pheochromocytoma Syndromes; Hereditary paragangliomas and pheochromocytomas; Hereditary pheochromocytoma-paraganglioma. Identifiers: Orphanet 29072, MedGen C4274332, MONDO:0017366.
Pheochromocytoma. Also called: MAX-Related Hereditary Paraganglioma-Pheochromocytoma Syndrome. Identifiers: Orphanet 29072, MedGen C0031511, MONDO:0008233, OMIM 171300, HP:0002666.

Allele frequency attached by ClinVar (database versions not stated): gnomAD exomes below 0.00001.

Submissions (2):

Labcorp Genetics (formerly Invitae), Labcorp
Classification: Uncertain significance for Hereditary pheochromocytoma and paraganglioma. Last evaluated: 2024-04-15. Review status: criteria provided, single submitter. Criteria: Invitae Variant Classification Sherloc (09022015). Collection method: clinical testing. Allele origin: germline.
Comment: This sequence change replaces cysteine, which is neutral and slightly polar, with tyrosine, which is neutral and polar, at codon 140 of the TMEM127 protein (p.Cys140Tyr). This variant is present in population databases (rs121908828, gnomAD 0.006%). This missense change has been observed in individuals with clinical features of TMEM127-related condition (PMID: 21156949, 28384794). ClinVar contains an entry for this variant (Variation ID: 126971). An algorithm developed to predict the effect of missense changes on protein structure and function (PolyPhen-2) suggests that this variant is likely to be disruptive. Experimental studies have shown that this missense change affects TMEM127 function (PMID: 21156949). This variant disrupts the p.Cys140 amino acid residue in TMEM127. Other variant(s) that disrupt this residue have been observed in individuals with TMEM127-related conditions (PMID: 21156949), which suggests that this may be a clinically significant amino acid residue. In summary, the available evidence is currently insufficient to determine the role of this variant in disease. Therefore, it has been classified as a Variant of Uncertain Significance.

Familial Cancer Clinic, Veneto Institute of Oncology
Classification: Likely pathogenic for Pheochromocytoma. Review status: no assertion criteria provided. Collection method: not provided. Allele origin: germline. Not counted in ClinVar's aggregate classification.
ClinVar note: Converted during submission from likely pathogenic - adrenal bilateral pheochromocy to Likely pathogenic.

Literature cited by the submitters: PubMed 21156949 (cited by Labcorp Genetics (formerly Invitae), Labcorp); PubMed 28384794 (cited by Labcorp Genetics (formerly Invitae), Labcorp).

NM_017849.4(TMEM127):c.419G>A (p.Cys140Tyr)

Gene: TMEM127 (transmembrane protein 127; minus strand). Cytogenetic location: 2q11.2.
Variant type: single nucleotide variant.
Coding change: c.419G>A on transcript NM_017849.4 (MANE Select); coding-DNA position 419, G replaced by A.
Protein change: p.Cys140Tyr; replaces cysteine 140 with tyrosine.
Molecular consequence: missense variant.
Genome position (GRCh38, 1-based): chr2:96,254,106, C>T on the plus strand (G>A on the coding strand, the complement: TMEM127 is on the minus strand). VCF-style: chr2-96254106-C-T. GRCh37 (hg19) VCF-style: chr2-96919844-C-T.
Other names: c.419G>A, p.Cys140Tyr (NM_001193304.3); short protein forms C140Y.
Identifiers: ClinVar variation 126971 (VCV000126971.5), dbSNP rs121908828, ClinGen allele CA269757.